The following is an entry in ClinVar:

ClinVar aggregate classification (germline): Pathogenic/Likely pathogenic. Review status: criteria provided, multiple submitters, no conflicts (2 of 4 stars). 2 submissions from 2 submitters: Pathogenic (1); Likely pathogenic (1). Last evaluated 2023-05-29.

Conditions:
ASXL1-related disorder. Also called: ASXL1-related disorders; ASXL1-related condition.
Bohring-Opitz syndrome. Also called: OPITZ TRIGONOCEPHALY-LIKE SYNDROME; ASXL1-Related Bohring-Opitz Syndrome; C-LIKE SYNDROME; BOHRING SYNDROME. Identifiers: Orphanet 97297, MedGen C0796232, MONDO:0011510, OMIM 605039.

Submissions (2):

Blueprint Genetics
Classification: Pathogenic for ASXL1-related disorders. Last evaluated: 2023-05-29. Review status: criteria provided, single submitter. Criteria: ACMG Guidelines, 2015. Collection method: clinical testing. Allele origin: germline. Affected: yes. Observed: 1 variant allele.

Women's Health and Genetics/Laboratory Corporation of America, LabCorp
Classification: Likely pathogenic for Bohring-Opitz syndrome. Last evaluated: 2022-06-04. Review status: criteria provided, single submitter. Criteria: LabCorp Variant Classification Summary - May 2015. Collection method: clinical testing. Allele origin: germline.
Comment: Variant summary: ASXL1 c.2324delT (p.Leu775X) located in the last exon results in a premature termination codon, predicted to cause a truncation of the encoded protein or absence of the protein due to nonsense mediated decay, which are commonly known mechanisms for disease. Truncations downstream of this position have been reported in association with a phenotype of Bohring-Opitz Syndrome in the HGMD database. The variant allele was found at a frequency of 8e-06 in 251374 control chromosomes. Although c.2324delT has been widely reported in the literature in individuals affected with myeloid malignancies of somatic origin, to our knowledge, another germline variant, c.2324T>G, also translating to p.Leu775X has been reported in two individuals affected with Bohring-Opitz Syndrome (example, Russell_2015). These data indicate that the variant may be associated with disease. To our knowledge, no experimental evidence demonstrating an impact on protein function has been reported. No clinical diagnostic laboratories have submitted clinical-significance assessments for this variant to ClinVar after 2014. Based on the evidence outlined above, the variant was classified as likely pathogenic.

Literature cited by the submitters: PubMed 22489043 (cited by Women's Health and Genetics/Laboratory Corporation of America, LabCorp); PubMed 24442206 (cited by Women's Health and Genetics/Laboratory Corporation of America, LabCorp); PubMed 24458439 (cited by Women's Health and Genetics/Laboratory Corporation of America, LabCorp); PubMed 25652455 (cited by Women's Health and Genetics/Laboratory Corporation of America, LabCorp); PubMed 24695057 (cited by Women's Health and Genetics/Laboratory Corporation of America, LabCorp); PubMed 23018865 (cited by Women's Health and Genetics/Laboratory Corporation of America, LabCorp); PubMed 21881046 (cited by Women's Health and Genetics/Laboratory Corporation of America, LabCorp); PubMed 23619563 (cited by Women's Health and Genetics/Laboratory Corporation of America, LabCorp); PubMed 20880116 (cited by Women's Health and Genetics/Laboratory Corporation of America, LabCorp); PubMed 23690417 (cited by Women's Health and Genetics/Laboratory Corporation of America, LabCorp); PubMed 22031865 (cited by Women's Health and Genetics/Laboratory Corporation of America, LabCorp); PubMed 25596267 (cited by Women's Health and Genetics/Laboratory Corporation of America, LabCorp); PubMed 22058207 (cited by Women's Health and Genetics/Laboratory Corporation of America, LabCorp); PubMed 24496303 (cited by Women's Health and Genetics/Laboratory Corporation of America, LabCorp); PubMed 21576631 (cited by Women's Health and Genetics/Laboratory Corporation of America, LabCorp); PubMed 24255920 (cited by Women's Health and Genetics/Laboratory Corporation of America, LabCorp); PubMed 27895058 (cited by Women's Health and Genetics/Laboratory Corporation of America, LabCorp); PubMed 27276561 (cited by Women's Health and Genetics/Laboratory Corporation of America, LabCorp); PubMed 27069254 (cited by Women's Health and Genetics/Laboratory Corporation of America, LabCorp); PubMed 25921057 (cited by Women's Health and Genetics/Laboratory Corporation of America, LabCorp).

NM_015338.6(ASXL1):c.2324del (p.Arg774_Leu775insTer)

Gene: ASXL1 (ASXL transcriptional regulator 1; plus strand). Cytogenetic location: 20q11.21.
Variant type: Deletion.
Coding change: c.2324del on transcript NM_015338.6 (MANE Select); coding-DNA position 2324, one base deleted (T; older notation c.2324delT).
Protein change: p.Arg774_Leu775insTer.
Molecular consequence: nonsense.
Genome position (GRCh38, 1-based): chr20:32,435,036, T deleted; the last of 2 consecutive T bases (chr20:32,435,035-32,435,036); deleting either gives the same sequence. VCF-style (leftmost placement, unchanged base first): chr20-32435034-AT-A. GRCh37 (hg19) VCF-style: chr20-31022837-AT-A.
Other names: c.2141del, p.Arg713_Leu714insTer (NM_001363734.1).
Identifiers: ClinVar variation 1698479 (VCV001698479.2), dbSNP rs765327792, ClinGen allele CA9808591.